The following is an entry in ClinVar:

NM_004064.5(CDKN1B):c.-20C>T

Gene: CDKN1B (cyclin dependent kinase inhibitor 1B; plus strand). Cytogenetic location: 12p13.1.
Variant type: single nucleotide variant.
Coding change: c.-20C>T on transcript NM_004064.5 (MANE Select); 20 bases upstream of the start codon, C replaced by T.
Molecular consequence: 5 prime UTR variant.
Genome position (GRCh38, 1-based): chr12:12,717,820, C>T. VCF-style: chr12-12717820-C-T. GRCh37 (hg19) VCF-style: chr12-12870754-C-T.
Identifiers: ClinVar variation 3055291 (VCV003055291.2), dbSNP rs1006578798, ClinGen allele CA944840033.

ClinVar aggregate classification (germline): Likely benign (0 of 4 stars; one submission).

Conditions:
CDKN1B-related disorder. Also called: CDKN1B-related condition.

Allele frequency attached by ClinVar (database versions not stated): gnomAD 0.00001.
gnomAD v4.1: 3 of 1,610,530 alleles (0.00019%); highest among the groups gnomAD compares: East Asian, 0.0022%; no homozygotes.

Submission:

PreventionGenetics, part of Exact Sciences
Classification: Likely benign for CDKN1B-related condition. Last evaluated: 2023-03-15. Review status: no assertion criteria provided. Collection method: clinical testing. Allele origin: germline.
Comment: This variant is classified as likely benign based on ACMG/AMP sequence variant interpretation guidelines (Richards et al. 2015 PMID: 25741868, with internal and published modifications).